The following is an entry in ClinVar:

NM_024818.6(UBA5):c.883A>G (p.Met295Val)

Genes: NPHP3-ACAD11 (NPHP3-ACAD11 readthrough (NMD candidate); minus strand), UBA5 (ubiquitin like modifier activating enzyme 5; plus strand). Cytogenetic location: 3q22.1.
Variant type: single nucleotide variant.
Coding change: c.883A>G on transcript NM_024818.6 (MANE Select); coding-DNA position 883, A replaced by G.
Protein change: p.Met295Val; replaces methionine 295 with valine.
Molecular consequence: missense variant.
Genome position (GRCh38, 1-based): chr3:132,675,318, A>G. VCF-style: chr3-132675318-A-G. GRCh37 (hg19) VCF-style: chr3-132394162-A-G.
Other names: c.715A>G, p.Met239Val (NM_001320210.2, NM_198329.4); c.613A>G, p.Met205Val (NM_001321238.2); c.547A>G, p.Met183Val (NM_001321239.1); short protein forms M295V, M183V, M205V, M239V.
Identifiers: ClinVar variation 2038032 (VCV002038032.3), dbSNP rs1938790077, ClinGen allele CA354576218.

ClinVar aggregate classification (germline): Uncertain significance (1 of 4 stars; one submission).

Allele frequency attached by ClinVar (database versions not stated): gnomAD exomes below 0.00001; TOPMed below 0.00001; gnomAD 0.00001.

Submission:

Labcorp Genetics (formerly Invitae), Labcorp
Classification: Uncertain significance. Last evaluated: 2024-02-24. Review status: criteria provided, single submitter. Criteria: Invitae Variant Classification Sherloc (09022015). Collection method: clinical testing. Allele origin: germline.
Comment: This sequence change replaces methionine, which is neutral and non-polar, with valine, which is neutral and non-polar, at codon 295 of the UBA5 protein (p.Met295Val). This variant is not present in population databases (gnomAD no frequency). This variant has not been reported in the literature in individuals affected with UBA5-related conditions. ClinVar contains an entry for this variant (Variation ID: 2038032). Advanced modeling of protein sequence and biophysical properties (such as structural, functional, and spatial information, amino acid conservation, physicochemical variation, residue mobility, and thermodynamic stability) performed at Invitae indicates that this missense variant is not expected to disrupt UBA5 protein function with a negative predictive value of 80%. In summary, the available evidence is currently insufficient to determine the role of this variant in disease. Therefore, it has been classified as a Variant of Uncertain Significance.